The following is an entry in ClinVar:

NM_004006.3(DMD):c.549del (p.Asp182_Trp183insTer)

Gene: DMD (dystrophin; minus strand). Cytogenetic location: Xp21.1.
Variant type: Deletion.
Coding change: c.549del on transcript NM_004006.3 (MANE Select); coding-DNA position 549, one base deleted (G; older notation c.549delG).
Protein change: p.Asp182_Trp183insTer.
Molecular consequence: nonsense. On other transcripts: frameshift variant (1).
Genome position (GRCh38, 1-based): chrX:32,809,593, C deleted on the plus strand (G on the coding strand, the reverse complement: DMD is on the minus strand); the first of 2 consecutive C bases (chrX:32,809,593-32,809,594); deleting either gives the same sequence. VCF-style (leftmost placement, unchanged base first): chrX-32809592-TC-T. GRCh37 (hg19) VCF-style: chrX-32827709-TC-T.
Other names: c.525del, p.Asp174_Trp175insTer (NM_000109.4); c.537del, p.Asp178_Trp179insTer (NM_004009.3); c.180del, p.Asp59_Trp60insTer (NM_004010.3); c.549delG (NM_004006.2).
Identifiers: ClinVar variation 2577400 (VCV002577400.1), dbSNP rs2524189017, ClinGen allele CA2580616957.

ClinVar aggregate classification (germline): Pathogenic (1 of 4 stars; one submission).

Conditions:
Neuromuscular disease caused by qualitative or quantitative defects of dystrophin. Also called: Qualitative or quantitative defects of dystrophin. Identifiers: Orphanet 207085, MedGen C5679787, MONDO:0016147.

Submission:

Women's Health and Genetics/Laboratory Corporation of America, LabCorp
Classification: Pathogenic for Neuromuscular disease caused by qualitative or quantitative defects of dystrophin. Last evaluated: 2023-07-27. Review status: criteria provided, single submitter. Criteria: LabCorp Variant Classification Summary - May 2015. Collection method: clinical testing. Allele origin: germline.
Comment: Variant summary: DMD c.549delG (p.Trp183X) results in a premature termination codon, predicted to cause a truncation of the encoded protein or absence of the protein due to nonsense mediated decay, which are commonly known mechanisms for disease. Variants downstream of this position have been classified as pathogenic by our laboratory. The variant was absent in 183272 control chromosomes (gnomAD). To our knowledge, no occurrence of c.549delG in individuals affected with Dystrophinopathies and no experimental evidence demonstrating its impact on protein function have been reported. No submitters have cited clinical-significance assessments for this variant to ClinVar after 2014. Based on the evidence outlined above, the variant was classified as pathogenic.